The following is an entry in ClinVar:

NM_015213.4(DENND5A):c.3050A>G (p.Asn1017Ser)

Gene: DENND5A (DENN domain containing 5A; minus strand). Cytogenetic location: 11p15.4.
Variant type: single nucleotide variant.
Coding change: c.3050A>G on transcript NM_015213.4 (MANE Select); coding-DNA position 3050, A replaced by G.
Protein change: p.Asn1017Ser; replaces asparagine 1017 with serine.
Molecular consequence: missense variant. On other transcripts: non-coding transcript variant (1).
Genome position (GRCh38, 1-based): chr11:9,145,067, T>C on the plus strand (A>G on the coding strand, the complement: DENND5A is on the minus strand). VCF-style: chr11-9145067-T-C. GRCh37 (hg19) VCF-style: chr11-9166614-T-C.
Other names: c.3050A>G, p.Asn1017Ser (NM_001243254.2); c.2978A>G, p.Asn993Ser (NM_001348749.2); c.2762A>G, p.Asn921Ser (NM_001348750.2); short protein forms N993S, N1017S, N921S.
Identifiers: ClinVar variation 1367538 (VCV001367538.3), dbSNP rs765011484, ClinGen allele CA5877149.

ClinVar aggregate classification (germline): Uncertain significance (1 of 4 stars; one submission).

Allele frequency attached by ClinVar (database versions not stated): gnomAD 0.00001 and 0.00002; gnomAD exomes 0.00001 and 0.00002; ExAC 0.00002; TOPMed 0.00002.

Submission:

Labcorp Genetics (formerly Invitae), Labcorp
Classification: Uncertain significance. Last evaluated: 2022-04-22. Review status: criteria provided, single submitter. Criteria: Invitae Variant Classification Sherloc (09022015). Collection method: clinical testing. Allele origin: germline.
Comment: This sequence change replaces asparagine, which is neutral and polar, with serine, which is neutral and polar, at codon 1017 of the DENND5A protein (p.Asn1017Ser). This variant is present in population databases (rs765011484, gnomAD 0.006%). This variant has not been reported in the literature in individuals affected with DENND5A-related conditions. Algorithms developed to predict the effect of missense changes on protein structure and function are either unavailable or do not agree on the potential impact of this missense change (SIFT: "Tolerated"; PolyPhen-2: "Probably Damaging"; Align-GVGD: "Class C0"). In summary, the available evidence is currently insufficient to determine the role of this variant in disease. Therefore, it has been classified as a Variant of Uncertain Significance.